The following is an entry in ClinVar:

NM_016239.4(MYO15A):c.2470C>G (p.Pro824Ala)

Gene: MYO15A (myosin XVA; plus strand). Cytogenetic location: 17p11.2.
Variant type: single nucleotide variant.
Coding change: c.2470C>G on transcript NM_016239.4 (MANE Select); coding-DNA position 2470, C replaced by G.
Protein change: p.Pro824Ala; replaces proline 824 with alanine.
Molecular consequence: missense variant.
Genome position (GRCh38, 1-based): chr17:18,121,270, C>G. VCF-style: chr17-18121270-C-G. GRCh37 (hg19) VCF-style: chr17-18024584-C-G.
Other names: c.2470C>G (NM_016239.3); short protein forms P824A.
Identifiers: ClinVar variation 2860593 (VCV002860593.6), dbSNP rs755821378, ClinGen allele CA8423272.

ClinVar aggregate classification (germline): Conflicting classifications of pathogenicity. Review status: criteria provided, conflicting classifications (1 of 4 stars). 3 submissions from 3 submitters: Uncertain significance (1); Benign (1). 1 of the submissions does not count toward it. Last evaluated 2024-09-04.

Conditions:
MYO15A-related disorder. Also called: MYO15A-related condition.
Inborn genetic diseases. Identifiers: MedGen C0950123, MeSH D030342.

Allele frequency attached by ClinVar (database versions not stated): gnomAD exomes 0.00003; gnomAD 0.00053.
gnomAD v4.1: 125 of 1,413,178 alleles (0.0088%); highest among the groups gnomAD compares: African/African-American, 0.17%; no homozygotes.

Submissions (3):

Labcorp Genetics (formerly Invitae), Labcorp
Classification: Benign. Last evaluated: 2024-09-04. Review status: criteria provided, single submitter. Criteria: Invitae Variant Classification Sherloc (09022015). Collection method: clinical testing. Allele origin: germline.

Ambry Genetics
Classification: Uncertain significance for Inborn genetic diseases. Last evaluated: 2024-05-14. Review status: criteria provided, single submitter. Criteria: Ambry Variant Classification Scheme 2023. Collection method: clinical testing. Allele origin: germline.

PreventionGenetics, part of Exact Sciences
Classification: Likely benign for MYO15A-related condition. Last evaluated: 2022-08-05. Review status: no assertion criteria provided. Collection method: clinical testing. Allele origin: germline. Not counted in ClinVar's aggregate classification.
Comment: This variant is classified as likely benign based on ACMG/AMP sequence variant interpretation guidelines (Richards et al. 2015 PMID: 25741868, with internal and published modifications).